The following is an entry in ClinVar:

NM_003504.5(CDC45):c.1450C>T (p.Arg484Trp)

Gene: CDC45 (cell division cycle 45; plus strand). Cytogenetic location: 22q11.21.
Variant type: single nucleotide variant.
Coding change: c.1450C>T on transcript NM_003504.5 (MANE Select); coding-DNA position 1450, C replaced by T.
Protein change: p.Arg484Trp; replaces arginine 484 with tryptophan.
Molecular consequence: missense variant. On other transcripts: non-coding transcript variant (1).
Genome position (GRCh38, 1-based): chr22:19,516,536, C>T. VCF-style: chr22-19516536-C-T. GRCh37 (hg19) VCF-style: chr22-19504059-C-T.
Other names: c.1546C>T (NM_001178010.1); c.1546C>T, p.Arg516Trp (NM_001178010.2); c.1312C>T, p.Arg438Trp (NM_001178011.2); c.1414C>T, p.Arg472Trp (NM_001369291.1); short protein forms R472W, R438W, R484W, R516W.
Identifiers: ClinVar variation 1985375 (VCV001985375.5), dbSNP rs371699135, ClinGen allele CA322068448.

ClinVar aggregate classification (germline): Uncertain significance. Review status: criteria provided, multiple submitters, no conflicts (2 of 4 stars). 2 submissions from 2 submitters: Uncertain significance (2). Last evaluated 2024-12-04.

Conditions:
Inborn genetic diseases. Identifiers: MedGen C0950123, MeSH D030342.

Allele frequency attached by ClinVar (database versions not stated): TOPMed 0.00001; gnomAD 0.00002; gnomAD exomes 0.00002; ESP Exome Variant Server 0.00008.
gnomAD v4.1: 34 of 1,613,608 alleles (0.0021%); highest among the groups gnomAD compares: African/African-American, 0.008%; no homozygotes.

Submissions (2):

Ambry Genetics
Classification: Uncertain significance for Inborn genetic diseases. Last evaluated: 2024-12-04. Review status: criteria provided, single submitter. Criteria: Ambry Variant Classification Scheme 2023. Collection method: clinical testing. Allele origin: germline.

Labcorp Genetics (formerly Invitae), Labcorp
Classification: Uncertain significance. Last evaluated: 2022-08-23. Review status: criteria provided, single submitter. Criteria: Invitae Variant Classification Sherloc (09022015). Collection method: clinical testing. Allele origin: germline.
Comment: In summary, the available evidence is currently insufficient to determine the role of this variant in disease. Therefore, it has been classified as a Variant of Uncertain Significance. Algorithms developed to predict the effect of missense changes on protein structure and function are either unavailable or do not agree on the potential impact of this missense change (SIFT: "Deleterious"; PolyPhen-2: "Probably Damaging"; Align-GVGD: "Class C0"). This variant has not been reported in the literature in individuals affected with CDC45-related conditions. This variant is present in population databases (rs371699135, gnomAD 0.008%). This sequence change replaces arginine, which is basic and polar, with tryptophan, which is neutral and slightly polar, at codon 516 of the CDC45 protein (p.Arg516Trp).